The following is an entry in ClinVar:

NM_017514.5(PLXNA3):c.2245-7C>T

Gene: PLXNA3 (plexin A3; plus strand). Cytogenetic location: Xq28.
Variant type: single nucleotide variant.
Coding change: c.2245-7C>T on transcript NM_017514.5 (MANE Select); 7 bases into the intron before coding-DNA position 2245, C replaced by T.
Molecular consequence: intron variant.
Genome position (GRCh38, 1-based): chrX:154,465,417, C>T. VCF-style: chrX-154465417-C-T. GRCh37 (hg19) VCF-style: chrX-153693760-C-T.
Identifiers: ClinVar variation 729594 (VCV000729594.5), dbSNP rs782710505, ClinGen allele CA10564329.

ClinVar aggregate classification (germline): Likely benign. Review status: criteria provided, single submitter (1 of 4 stars). 2 submissions from 2 submitters: Likely benign (1). 1 of the submissions does not count toward it. Last evaluated 2018-08-01.

Conditions:
PLXNA3-related disorder. Also called: PLXNA3-related condition.

Allele frequency attached by ClinVar (database versions not stated): gnomAD 0.00002; TOPMed 0.00002; gnomAD exomes 0.00003 and 0.00006; ExAC 0.00006.
gnomAD v4.1: 69 of 1,193,634 alleles (0.0058%); highest among the groups gnomAD compares: Non-Finnish European, 0.0073%; no homozygotes.

Submissions (2):

Labcorp Genetics (formerly Invitae), Labcorp
Classification: Likely benign. Last evaluated: 2018-08-01. Review status: criteria provided, single submitter. Criteria: Invitae Variant Classification Sherloc (09022015). Collection method: clinical testing. Allele origin: germline.

PreventionGenetics, part of Exact Sciences
Classification: Likely benign for PLXNA3-related condition. Last evaluated: 2021-12-30. Review status: no assertion criteria provided. Collection method: clinical testing. Allele origin: germline. Not counted in ClinVar's aggregate classification.
Comment: This variant is classified as likely benign based on ACMG/AMP sequence variant interpretation guidelines (Richards et al. 2015 PMID: 25741868, with internal and published modifications).